The following is an entry in ClinVar:

NM_206933.4(USH2A):c.1123T>G (p.Leu375Val)

Gene: USH2A (usherin; minus strand). Cytogenetic location: 1q41.
Variant type: single nucleotide variant.
Coding change: c.1123T>G on transcript NM_206933.4 (MANE Select); coding-DNA position 1123, T replaced by G.
Protein change: p.Leu375Val; replaces leucine 375 with valine.
Molecular consequence: missense variant.
Genome position (GRCh38, 1-based): chr1:216,325,325, A>C on the plus strand (T>G on the coding strand, the complement: USH2A is on the minus strand). VCF-style: chr1-216325325-A-C. GRCh37 (hg19) VCF-style: chr1-216498667-A-C.
Other names: c.1123T>G, p.Leu375Val (NM_007123.6); c.1123T>G (NM_206933.2); short protein forms L375V.
Identifiers: ClinVar variation 1938405 (VCV001938405.6), dbSNP rs2527439692, ClinGen allele CA344912206.

ClinVar aggregate classification (germline): Conflicting classifications of pathogenicity. Review status: criteria provided, conflicting classifications (1 of 4 stars). 3 submissions from 3 submitters: Likely pathogenic (1); Uncertain significance (2). Last evaluated 2025-12-15.

Conditions:
Inborn genetic diseases. Identifiers: MedGen C0950123, MeSH D030342.
USH2A-related disorder. Also called: USH2A-related condition; USH2A-related disorders. Identifiers: MedGen CN239332.

Submissions (3):

Ambry Genetics
Classification: Uncertain significance for Inborn genetic diseases. Last evaluated: 2025-12-15. Review status: criteria provided, single submitter. Criteria: Ambry Variant Classification Scheme 2023. Collection method: clinical testing. Allele origin: germline.

Labcorp Genetics (formerly Invitae), Labcorp
Classification: Uncertain significance. Last evaluated: 2024-02-24. Review status: criteria provided, single submitter. Criteria: Invitae Variant Classification Sherloc (09022015). Collection method: clinical testing. Allele origin: germline.
Comment: This sequence change replaces leucine, which is neutral and non-polar, with valine, which is neutral and non-polar, at codon 375 of the USH2A protein (p.Leu375Val). This variant is not present in population databases (gnomAD no frequency). This variant has not been reported in the literature in individuals affected with USH2A-related conditions. ClinVar contains an entry for this variant (Variation ID: 1938405). Advanced modeling of protein sequence and biophysical properties (such as structural, functional, and spatial information, amino acid conservation, physicochemical variation, residue mobility, and thermodynamic stability) performed at Invitae indicates that this missense variant is expected to disrupt USH2A protein function with a positive predictive value of 95%. In summary, the available evidence is currently insufficient to determine the role of this variant in disease. Therefore, it has been classified as a Variant of Uncertain Significance.

Blueprint Genetics
Classification: Likely pathogenic for USH2A-related disorders. Last evaluated: 2022-06-21. Review status: criteria provided, single submitter. Criteria: ACMG Guidelines, 2015. Collection method: clinical testing. Allele origin: germline. Affected: yes. Observed: 1 variant allele.